The following is an entry in ClinVar:

NM_000053.4(ATP7B):c.3677C>T (p.Thr1226Ile)

Gene: ATP7B (ATPase copper transporting beta; minus strand). Cytogenetic location: 13q14.3.
Variant type: single nucleotide variant.
Coding change: c.3677C>T on transcript NM_000053.4 (MANE Select); coding-DNA position 3677, C replaced by T.
Protein change: p.Thr1226Ile; replaces threonine 1226 with isoleucine.
Molecular consequence: missense variant.
Genome position (GRCh38, 1-based): chr13:51,939,073, G>A on the plus strand (C>T on the coding strand, the complement: ATP7B is on the minus strand). VCF-style: chr13-51939073-G-A. GRCh37 (hg19) VCF-style: chr13-52513209-G-A.
Other names: c.3389C>T, p.Thr1130Ile (NM_001406534.1); c.3347C>T, p.Thr1116Ile (NM_001406535.1, NM_001406536.1); c.3338C>T, p.Thr1113Ile (NM_001406537.1); c.3299C>T, p.Thr1100Ile (NM_001406538.1); c.3248C>T, p.Thr1083Ile (NM_001406539.1); c.3230C>T, p.Thr1077Ile (NM_001406540.1); c.3191C>T, p.Thr1064Ile (NM_001406541.1, NM_001406542.1); c.3185C>T, p.Thr1062Ile (NM_001406543.1); and 20 more; short protein forms T1010I, T1019I, T1032I, T1062I, T1064I, T1077I, T1083I, T1100I.
Identifiers: ClinVar variation 4852556 (VCV004852556.3).

ClinVar aggregate classification (germline): Conflicting classifications of pathogenicity. Review status: criteria provided, conflicting classifications (1 of 4 stars). 2 submissions from 2 submitters: Likely pathogenic (1); Uncertain significance (1). Last evaluated 2024-01-01.

Conditions:
Wilson disease (WND). Also called: Wilson's disease. Identifiers: Orphanet 905, MedGen C0019202, MONDO:0010200, OMIM 277900. Disease mechanism: loss of function.

Submissions (2):

Chongqing Key Laboratory of Child Rare Diseases in Infection and Immunity, Children’s Hospital of Chongqing Medical University
Classification: Uncertain significance for Wilson disease. Last evaluated: 2024-01-01. Review status: criteria provided, single submitter. Criteria: ACMG Guidelines, 2015. Collection method: clinical testing. Allele origin: germline. Inheritance: Autosomal recessive inheritance. Affected: yes.
Comment: Classified as Uncertain significance according to the ACMG/AMP 2015 guidelines (PMID:25741868). The classification was based on the available submitted evidence for Wilson disease (OMIM:277900), including clinical-testing observations, variant consequence/protein annotation, and published or ClinVar evidence where available. Supporting information considered: variant annotation: p.Thr1226Ile; Missense; Protein domain: N-domain-enriched; submitted notation: NM_000053.4:c.3677C>T (p.Thr1226Ile); source variant type: Missense; source domain: N-domain-enriched; allele count n=230: 1.

Juno Genomics, Hangzhou Juno Genomics, Inc
Classification: Likely pathogenic for Wilson disease. Review status: criteria provided, single submitter. Criteria: ACMG Guidelines, 2015. Collection method: clinical testing. Allele origin: germline.
Comment: Absent from controls (or at extremely low frequency if recessive) in Genome Aggregation Database.;Multiple lines of computational evidence support a deleterious effect on the gene or gene product.;For recessive disorders, detected in trans with a pathogenic variant.;Patient's phenotype or family history is highly specific for a disease with a single genetic etiology.